The following is an entry in ClinVar:

NM_005612.5(REST):c.1344A>G (p.Ile448Met)

Gene: REST (RE1 silencing transcription factor; plus strand). Cytogenetic location: 4q12.
Variant type: single nucleotide variant.
Coding change: c.1344A>G on transcript NM_005612.5 (MANE Select); coding-DNA position 1344, A replaced by G.
Protein change: p.Ile448Met; replaces isoleucine 448 with methionine.
Molecular consequence: missense variant.
Genome position (GRCh38, 1-based): chr4:56,930,202, A>G. VCF-style: chr4-56930202-A-G. GRCh37 (hg19) VCF-style: chr4-57796368-A-G.
Other names: c.1344A>G, p.Ile448Met (NM_001193508.2, NM_001363453.3); short protein forms I448M.
Identifiers: ClinVar variation 942685 (VCV000942685.12), dbSNP rs778247936, ClinGen allele CA2932251.

ClinVar aggregate classification (germline): Uncertain significance. Review status: criteria provided, multiple submitters, no conflicts (2 of 4 stars). 4 submissions from 4 submitters: Uncertain significance (4). Last evaluated 2025-07-24.

Conditions:
REST-related disorder. Also called: REST-related condition.
Wilms tumor 6 (WT6). Also called: WILMS TUMOR 6, SUSCEPTIBILITY TO. Identifiers: Orphanet 654, MedGen C3891301, MONDO:0014779, OMIM 616806.
Inborn genetic diseases. Identifiers: MedGen C0950123, MeSH D030342.

Allele frequency attached by ClinVar (database versions not stated): gnomAD 0.00004; gnomAD exomes 0.00004 and 0.00006; TOPMed 0.00004; ExAC 0.00006.
gnomAD v4.1: 92 of 1,607,370 alleles (0.0057%); highest among the groups gnomAD compares: Non-Finnish European, 0.007%; no homozygotes.

Submissions (4):

PreventionGenetics, part of Exact Sciences
Classification: Uncertain significance for REST-related condition. Last evaluated: 2025-07-24. Review status: criteria provided, single submitter. Criteria: ACMG Guidelines, 2015. Collection method: clinical testing. Allele origin: germline.
Comment: The REST c.1344A>G variant is predicted to result in the amino acid substitution p.Ile448Met. To our knowledge, this variant has not been reported in the literature. This variant is reported in 0.0087% of alleles in individuals of European (Non-Finnish) descent in gnomAD and is classified as a variant of uncertain significance in ClinVar (Variation ID: 942685). At this time, the clinical significance of this variant is uncertain due to the absence of conclusive functional and genetic evidence.

Labcorp Genetics (formerly Invitae), Labcorp
Classification: Uncertain significance. Last evaluated: 2025-03-15. Review status: criteria provided, single submitter. Criteria: Invitae Variant Classification Sherloc (09022015). Collection method: clinical testing. Allele origin: germline.
Comment: This sequence change replaces isoleucine, which is neutral and non-polar, with methionine, which is neutral and non-polar, at codon 448 of the REST protein (p.Ile448Met). This variant is present in population databases (rs778247936, gnomAD 0.009%). This variant has not been reported in the literature in individuals affected with REST-related conditions. ClinVar contains an entry for this variant (Variation ID: 942685). An algorithm developed to predict the effect of missense changes on protein structure and function (PolyPhen-2) suggests that this variant is likely to be tolerated. In summary, the available evidence is currently insufficient to determine the role of this variant in disease. Therefore, it has been classified as a Variant of Uncertain Significance.

Ambry Genetics
Classification: Uncertain significance for Inborn genetic diseases. Last evaluated: 2025-02-05. Review status: criteria provided, single submitter. Criteria: Ambry Variant Classification Scheme 2023. Collection method: clinical testing. Allele origin: germline.

St. Jude Molecular Pathology, St. Jude Children's Research Hospital
Classification: Uncertain significance for Wilms tumor 6. Last evaluated: 2024-04-13. Review status: criteria provided, single submitter. Criteria: St. Jude Assertion Criteria 2020. Collection method: clinical testing. Allele origin: germline.